The following is an entry in ClinVar:

NM_003672.4(CDC14A):c.608-7C>A

Gene: CDC14A (cell division cycle 14A; plus strand). Cytogenetic location: 1p21.2.
Variant type: single nucleotide variant.
Coding change: c.608-7C>A on transcript NM_003672.4 (MANE Select); 7 bases into the intron before coding-DNA position 608, C replaced by A.
Molecular consequence: intron variant.
Genome position (GRCh38, 1-based): chr1:100,462,644, C>A. VCF-style: chr1-100462644-C-A. GRCh37 (hg19) VCF-style: chr1-100928200-C-A.
Other names: c.434-7C>A (NM_001319211.2); c.608-7C>A (NM_001319210.2, NM_033312.3, NM_033313.3); c.-272-7C>A (NM_001319212.2).
Identifiers: ClinVar variation 1711219 (VCV001711219.35), dbSNP rs200457113, ClinGen allele CA970653.

ClinVar aggregate classification (germline): Likely benign. Review status: criteria provided, multiple submitters, no conflicts (2 of 4 stars). 2 submissions from 2 submitters: Likely benign (2). Last evaluated 2024-11-19.

Allele frequency attached by ClinVar (database versions not stated): 1000 Genomes Project 30x 0.00031; ESP Exome Variant Server 0.00038; 1000 Genomes Project 0.00040; TOPMed 0.00070.
gnomAD v4.1: 155 of 1,608,986 alleles (0.0096%); highest among the groups gnomAD compares: African/African-American, 0.19%; 1 homozygote.

Submissions (2):

Labcorp Genetics (formerly Invitae), Labcorp
Classification: Likely benign. Last evaluated: 2024-11-19. Review status: criteria provided, single submitter. Criteria: Invitae Variant Classification Sherloc (09022015). Collection method: clinical testing. Allele origin: germline.

CeGaT Center for Human Genetics Tuebingen
Classification: Likely benign. Last evaluated: 2022-08-01. Review status: criteria provided, single submitter. Criteria: CeGaT Center For Human Genetics Tuebingen Variant Classification Criteria Version 2. Collection method: clinical testing. Allele origin: germline. Affected: yes. Observed: 1 variant allele.
Comment: CDC14A: BP4